The following is an entry in ClinVar:

ClinVar aggregate classification (germline): Likely benign (1 of 4 stars; one submission).

Allele frequency attached by ClinVar (database versions not stated): ExAC 0.00066; 1000 Genomes Project 30x 0.00203; 1000 Genomes Project 0.00220; TOPMed 0.00252; ESP Exome Variant Server 0.00285.
gnomAD v4.1: 606 of 1,613,296 alleles (0.038%); highest among the groups gnomAD compares: African/African-American, 0.71%; 3 homozygotes.

Submission:

CeGaT Center for Human Genetics Tuebingen
Classification: Likely benign. Last evaluated: 2022-09-01. Review status: criteria provided, single submitter. Criteria: CeGaT Center For Human Genetics Tuebingen Variant Classification Criteria Version 2. Collection method: clinical testing. Allele origin: germline. Affected: yes. Observed: 1 variant allele.
Comment: ARHGEF17: BP4, BP7

NM_014786.4(ARHGEF17):c.3006G>A (p.Ser1002=)

Gene: ARHGEF17 (Rho guanine nucleotide exchange factor 17; plus strand). Cytogenetic location: 11q13.4.
Variant type: single nucleotide variant.
Coding change: c.3006G>A on transcript NM_014786.4 (MANE Select); coding-DNA position 3006, G replaced by A.
Protein change: p.Ser1002=; no amino-acid change (serine 1002 retained).
Molecular consequence: synonymous variant.
Genome position (GRCh38, 1-based): chr11:73,311,644, G>A. VCF-style: chr11-73311644-G-A. GRCh37 (hg19) VCF-style: chr11-73022689-G-A.
Identifiers: ClinVar variation 2642138 (VCV002642138.24), dbSNP rs141958792, ClinGen allele CA6177362.
Genomic context (GRCh38, chr11:73,311,644, plus strand): 5'-GGCTGTGCCAGAACCCATAGGCTTCCCTACCCGAGCCCATCCCACGTTGCAGGCACCATC[G>A]CTCGAGGACGTCACCAAGCAGTACATGCTGAACCTGCACTCCGGTGAGGTCCCTGCCCCA-3'
Protein context (NP_055601.2, residues 992-1012): TRAHPTLQAP[Ser1002=]LEDVTKQYML